The following is an entry in ClinVar:

NM_003611.3(OFD1):c.74A>G (p.Gln25Arg)

Genes: OFD1 (OFD1 centriole and centriolar satellite protein; plus strand), LOC126863212 (CDK7 strongly-dependent group 2 enhancer GRCh37_chrX:13752241-13753440; plus strand). Cytogenetic location: Xp22.2.
Variant type: single nucleotide variant.
Coding change: c.74A>G on transcript NM_003611.3 (MANE Select); coding-DNA position 74, A replaced by G.
Protein change: p.Gln25Arg; replaces glutamine 25 with arginine.
Molecular consequence: missense variant. On other transcripts: 5 prime UTR variant (1).
Genome position (GRCh38, 1-based): chrX:13,735,309, A>G. VCF-style: chrX-13735309-A-G. GRCh37 (hg19) VCF-style: chrX-13753428-A-G.
Other names: c.74A>G, p.Gln25Arg (NM_001330209.2); c.-472A>G (NM_001330210.2); short protein forms Q25R.
Identifiers: ClinVar variation 1486282 (VCV001486282.10), dbSNP rs1158126675, ClinGen allele CA412331690.
Genomic context (GRCh38, chrX:13,735,309, plus strand): 5'-CCAACATGTTTACCGTGGCTGATGTGTTGAGTCAAGATGAACTGCGCAAAAAGCTATACC[A>G]GACGTTTAAGGATCGGGGTATACTGGATACACTCAAGGTATCGGATTTAGGCGTATCTGT-3'
Protein context (NP_003602.1, residues 15-35): SQDELRKKLY[Gln25Arg]TFKDRGILDT

ClinVar aggregate classification (germline): Uncertain significance. Review status: criteria provided, multiple submitters, no conflicts (2 of 4 stars). 3 submissions from 3 submitters: Uncertain significance (3). Last evaluated 2025-08-19.

Conditions:
Joubert syndrome. Also called: JOUBERT-BOLTSHAUSER SYNDROME; Familial aplasia of the vermis. Identifiers: Orphanet 475, MedGen C5979921, MONDO:0018772.
Orofaciodigital syndrome I (OFD1). Also called: OFDS I; Papillon-Leage and Psaume Syndrome; Oral-Facial-Digital Syndrome Type I. Identifiers: Orphanet 2750, MedGen C1510460, MONDO:0010702, OMIM 311200.
Retinitis pigmentosa 23 (RP23). Identifiers: Orphanet 791, MedGen C1419610, MONDO:0010320, OMIM 300424.
Simpson-Golabi-Behmel syndrome type 2. Identifiers: Orphanet 79022, MedGen C1846175, MONDO:0010265, OMIM 300209.
Joubert syndrome 10 (JBTS10). Identifiers: Orphanet 2754, MedGen C2749019, MONDO:0010431, OMIM 300804.

Allele frequency attached by ClinVar (database versions not stated): gnomAD 0.00001; gnomAD exomes 0.00001 and 0.00002; TOPMed 0.00002.
gnomAD v4.1: 27 of 1,209,352 alleles (0.0022%); highest among the groups gnomAD compares: Middle Eastern, 0.046%; no homozygotes.

Submissions (3):

Labcorp Genetics (formerly Invitae), Labcorp
Classification: Uncertain significance for Orofaciodigital syndrome I; Joubert syndrome. Last evaluated: 2025-08-19. Review status: criteria provided, single submitter. Criteria: Invitae Variant Classification Sherloc (09022015). Collection method: clinical testing. Allele origin: germline.
Comment: This sequence change replaces glutamine, which is neutral and polar, with arginine, which is basic and polar, at codon 25 of the OFD1 protein (p.Gln25Arg). This variant is present in population databases (no rsID available, gnomAD 0.001%). This missense change has been observed in individual(s) with macular dystrophy (PMID: 34440443). ClinVar contains an entry for this variant (Variation ID: 1486282). Invitae Evidence Modeling of protein sequence and biophysical properties (such as structural, functional, and spatial information, amino acid conservation, physicochemical variation, residue mobility, and thermodynamic stability) indicates that this missense variant is not expected to disrupt OFD1 protein function with a negative predictive value of 80%. In summary, the available evidence is currently insufficient to determine the role of this variant in disease. Therefore, it has been classified as a Variant of Uncertain Significance.

Blueprint Genetics
Classification: Uncertain significance. Last evaluated: 2024-06-17. Review status: criteria provided, single submitter. Criteria: ACMG Guidelines, 2015. Collection method: clinical testing. Allele origin: germline.

Fulgent Genetics
Classification: Uncertain significance for Simpson-Golabi-Behmel syndrome type 2; Retinitis pigmentosa 23; Joubert syndrome 10; Orofaciodigital syndrome I. Last evaluated: 2021-09-24. Review status: criteria provided, single submitter. Criteria: ACMG Guidelines, 2015. Collection method: clinical testing. Allele origin: unknown.

Literature cited by the submitters: PubMed 34440443 (cited by Labcorp Genetics (formerly Invitae), Labcorp).